The following is an entry in ClinVar:

NM_000551.4(VHL):c.357C>G (p.Phe119Leu)

Genes: VHL (von Hippel-Lindau tumor suppressor; plus strand), LOC107303340 (3p25 von Hippel-Lindau tumor suppressor, E3 ubiquitin protein ligase Alu-mediated recombination region; plus strand). Cytogenetic location: 3p25.3.
Variant type: single nucleotide variant.
Coding change: c.357C>G on transcript NM_000551.4 (MANE Select); coding-DNA position 357, C replaced by G.
Protein change: p.Phe119Leu; replaces phenylalanine 119 with leucine.
Molecular consequence: missense variant. On other transcripts: intron variant (2).
Genome position (GRCh38, 1-based): chr3:10,146,530, C>G. VCF-style: chr3-10146530-C-G. GRCh37 (hg19) VCF-style: chr3-10188214-C-G.
Other names: c.*18-3257C>G (NM_001354723.2); c.341-3257C>G (NM_198156.3); short protein forms F119L.
Identifiers: ClinVar variation 625240 (VCV000625240.14), dbSNP rs1559428077, ClinGen allele CA351753726.

ClinVar aggregate classification (germline): Pathogenic. Review status: criteria provided, multiple submitters, no conflicts (2 of 4 stars). 5 submissions from 5 submitters: Pathogenic (5). Last evaluated 2025-11-24.

Conditions:
Von Hippel-Lindau syndrome (VHLS). Also called: von Hippel–Lindau syndrome; Von Hippel-Lindau; VHL syndrome. Identifiers: Orphanet 892, MedGen C0019562, MONDO:0008667, OMIM 193300. Disease mechanism: loss of function.
Chuvash polycythemia. Also called: POLYCYTHEMIA, VHL-DEPENDENT. Identifiers: Orphanet 238557, MedGen C1837915, MONDO:0009892, OMIM 263400.
Hereditary cancer-predisposing syndrome. Also called: Tumor predisposition; Neoplastic Syndromes, Hereditary; Hereditary Cancer Syndrome; Hereditary neoplastic syndrome. Identifiers: Orphanet 140162, MedGen C0027672, MeSH D009386, MONDO:0015356.

Submissions (5):

Labcorp Genetics (formerly Invitae), Labcorp
Classification: Pathogenic for Von Hippel-Lindau syndrome; Chuvash polycythemia. Last evaluated: 2025-11-24. Review status: criteria provided, single submitter. Criteria: Invitae Variant Classification Sherloc (09022015). Collection method: clinical testing. Allele origin: germline.
Comment: This sequence change replaces phenylalanine, which is neutral and non-polar, with leucine, which is neutral and non-polar, at codon 119 of the VHL protein (p.Phe119Leu). This variant is not present in population databases (gnomAD no frequency). This missense change has been observed in individuals with pheochromocytomas and von Hippel-Lindau syndrome (PMID: 7728151, 12000816, 16142346, 19270817, 19336503). ClinVar contains an entry for this variant (Variation ID: 625240). Invitae Evidence Modeling of protein sequence and biophysical properties (such as structural, functional, and spatial information, amino acid conservation, physicochemical variation, residue mobility, and thermodynamic stability) indicates that this missense variant is expected to disrupt VHL protein function with a positive predictive value of 95%. Experimental studies have shown that this missense change affects VHL function (PMID: 21715564, 23840444). For these reasons, this variant has been classified as Pathogenic.

Ambry Genetics
Classification: Pathogenic for Hereditary cancer-predisposing syndrome. Last evaluated: 2025-04-15. Review status: criteria provided, single submitter. Criteria: Ambry Variant Classification Scheme 2023. Collection method: clinical testing. Allele origin: germline.
Comment: The p.F119L pathogenic mutation (also known as c.357C>G), located in coding exon 2 of the VHL gene, results from a C to G substitution at nucleotide position 357. The phenylalanine at codon 119 is replaced by leucine, an amino acid with highly similar properties. In one study, in silico, in vitro, and bacterial assays showed that the p.F119L alteration results in loss of folding, stability, and function of the VHL protein (Shmueli MD et al. PLoS ONE. 2013 Jun;8:e66333). Based on internal structural assessment, this alteration results in critical structural destabilization of the core of the protein (Van Molle I et al. Chem. Biol. 2012 Oct;19:1300-12). This mutation has been identified in multiple individuals/families with a clinical diagnosis or suspicion of von-Hippel-Lindau (VHL) syndrome (Zbar B et al. Hum. Mutat. 1996;8:348-57; Bausch B et al. J Transl Med Epidemiol. 2014 2(1):1019; Klein B et al. Hum. Genet. 2001 May;108:376-84, Ambry internal data). It has also been reported in a patient with non-syndromic pheochromocytoma (Neumann HP et al. N. Engl. J. Med. 2002 May;346:1459-66) and a patient with bilateral adrenal phenochromocytoma and a carotid paraganglioma (Boedeker CC et al. J. Clin. Endocrinol. Metab. 2009 Jun;94:1938-44). Of note, this alteration is also designated as 570C>G in published literature. This amino acid position is highly conserved in available vertebrate species. In addition, this alteration is predicted to be deleterious by in silico analysis. In silico splice site analysis predicts that this alteration may weaken the native splice site acceptor site; however, direct evidence is insufficient at this time (Ambry internal data). This variant is considered to be rare based on population cohorts in the Genome Aggregation Database (gnomAD). Based on the supporting evidence, this alteration is interpreted as a disease-causing mutation.

Genetic Services Laboratory, University of Chicago
Classification: Pathogenic. Last evaluated: 2023-08-03. Review status: criteria provided, single submitter. Criteria: ACMG Guidelines, 2015. Collection method: clinical testing. Allele origin: germline. Affected: yes.
Comment: DNA sequence analysis of the VHL gene demonstrated a sequence change, c.357C>G, in exon 2 that results in an amino acid change, p.Phe119Leu. The p.Phe119Leu change affects a highly conserved amino acid residue located in a domain of the VHL protein that is known to be functional. The p.Phe119Leu substitution appears to be deleterious using several in-silico pathogenicity prediction tools (SIFT, PolyPhen2, Align GVGD, REVEL). This sequence change has previously been described in with individuals with von Hippel Lindau syndrome and in individuals with non-syndromic pheochromocytoma (PMID: 12000816, 7728151, 19336503, 16142346, 19270817). This sequence change has not been described in population databases such as ExAC and gnomAD. An experimental study demonstrated that this missense change impacts VHL function (PMID: 23840444). These collective evidences indicate that this sequence change is pathogenic.

Women's Health and Genetics/Laboratory Corporation of America, LabCorp
Classification: Pathogenic for Von Hippel-Lindau syndrome. Last evaluated: 2021-06-01. Review status: criteria provided, single submitter. Criteria: LabCorp Variant Classification Summary - May 2015. Collection method: clinical testing. Allele origin: germline.
Comment: Variant summary: VHL c.357C>G (p.Phe119Leu) results in a non-conservative amino acid change in the encoded protein sequence. Five of five in-silico tools predict a damaging effect of the variant on protein function. The variant was absent in 251496 control chromosomes. c.357C>G has been reported in the literature in individuals affected with Von Hippel-Lindau Syndrome (Chen_1995, Zbar_1996, Boedeker_2009, Klein_2001, etc). Experimental studies have shown the variant to impair protein stability, folding and function (Rechsteiner_2011, Shmueli_2013). Two clinical diagnostic laboratories have submitted clinical-significance assessments for this variant to ClinVar after 2014 without evidence for independent evaluation. All laboratories classified the variant as pathogenic. Based on the evidence outlined above, the variant was classified as pathogenic.

Genomic Diagnostic Laboratory, Division of Genomic Diagnostics, Children's Hospital of Philadelphia
Classification: Pathogenic for von Hippel-Lindau syndrome. Last evaluated: 2018-08-01. Review status: criteria provided, single submitter. Criteria: DGD Variant Analysis Guidelines. Collection method: clinical testing. Allele origin: germline. Affected: yes. Observed: 2 variant alleles.

Literature cited by the submitters: PubMed 7728151 (cited by 3 submitters); PubMed 12000816 (cited by 3 submitters); PubMed 16142346 (cited by Labcorp Genetics (formerly Invitae), Labcorp); PubMed 19270817 (cited by Labcorp Genetics (formerly Invitae), Labcorp); PubMed 19336503 (cited by 3 submitters); PubMed 21715564 (cited by Labcorp Genetics (formerly Invitae), Labcorp and Women's Health and Genetics/Laboratory Corporation of America, LabCorp); PubMed 23840444 (cited by Labcorp Genetics (formerly Invitae), Labcorp and Ambry Genetics); PubMed 11409863 (cited by Ambry Genetics and Women's Health and Genetics/Laboratory Corporation of America, LabCorp); PubMed 8956040 (cited by Ambry Genetics and Women's Health and Genetics/Laboratory Corporation of America, LabCorp); PubMed 10340905 (cited by Women's Health and Genetics/Laboratory Corporation of America, LabCorp); PubMed 10458336 (cited by Women's Health and Genetics/Laboratory Corporation of America, LabCorp); PubMed 11896624 (cited by Women's Health and Genetics/Laboratory Corporation of America, LabCorp); PubMed 30194449 (cited by Women's Health and Genetics/Laboratory Corporation of America, LabCorp).